The following is an entry in ClinVar:

ClinVar aggregate classification (germline): Benign. Review status: criteria provided, multiple submitters, no conflicts (2 of 4 stars). 7 submissions from 7 submitters: Benign (7). Last evaluated 2026-02-04.

Conditions:
Multiple gastrointestinal atresias. Also called: FAMILIAL INTESTINAL POLYATRESIA SYNDROME; Multiple intestinal atresia. Identifiers: Orphanet 2300, MedGen C0220744, MONDO:0009465.
Gastrointestinal defects and immunodeficiency syndrome 1 (GIDID1). Also called: Combined immunodeficiency-enteropathy spectrum. Identifiers: Orphanet 436252, MedGen C5968858, MONDO:0800030, OMIM 243150.

Allele frequency attached by ClinVar (database versions not stated): gnomAD exomes 0.15736 and 0.19534; ESP Exome Variant Server 0.17092; gnomAD 0.18502 and 0.18833; ExAC 0.19800; TOPMed 0.19904; 1000 Genomes Project 30x 0.26546; 1000 Genomes Project 0.27017.
gnomAD v4.1: 258,830 of 1,607,438 alleles (16%); highest among the groups gnomAD compares: East Asian, 57%; 25,642 homozygotes.

Submissions (7):

Labcorp Genetics (formerly Invitae), Labcorp
Classification: Benign for Multiple gastrointestinal atresias. Last evaluated: 2026-02-04. Review status: criteria provided, single submitter. Criteria: Invitae Variant Classification Sherloc (09022015). Collection method: clinical testing. Allele origin: germline.

Blueprint Genetics
Classification: Benign. Last evaluated: 2024-11-26. Review status: criteria provided, single submitter. Criteria: ACMG Guidelines, 2015. Collection method: clinical testing. Allele origin: germline.

Unidad de Genómica Garrahan, Hospital de Pediatría Garrahan
Classification: Benign. Last evaluated: 2024-01-24. Review status: criteria provided, single submitter. Criteria: ACMG Guidelines, 2015. Collection method: clinical testing. Allele origin: germline. Affected: no. Observed: 35 variant alleles.
Comment: This variant is classified as Benign based on local population frequency. This variant was detected in 37% of patients studied by a panel of primary immunodeficiencies. Number of patients: 35. Only high quality variants are reported.

Genome-Nilou Lab
Classification: Benign for Gastrointestinal defects and immunodeficiency syndrome 1. Last evaluated: 2021-09-10. Review status: criteria provided, single submitter. Criteria: ACMG Guidelines, 2015. Collection method: clinical testing. Allele origin: germline. Affected: no.

GeneDx
Classification: Benign. Last evaluated: 2018-07-09. Review status: criteria provided, single submitter. Criteria: GeneDx Variant Classification Process June 2021. Collection method: clinical testing. Allele origin: germline. Affected: yes.

Mayo Clinic Laboratories, Mayo Clinic
Classification: Benign. Last evaluated: 2018-03-20. Review status: criteria provided, single submitter. Criteria: ACMG Guidelines, 2015. Collection method: clinical testing. Allele origin: germline. Observed: 128 variant alleles.

Breakthrough Genomics
Classification: Benign. Review status: criteria provided, single submitter. Criteria: ACMG Guidelines, 2015. Collection method: not provided. Allele origin: germline. Inheritance: Autosomal recessive inheritance. Affected: yes.

NM_020458.4(TTC7A):c.1612G>C (p.Val538Leu)

Gene: TTC7A (tetratricopeptide repeat domain 7A; plus strand). Cytogenetic location: 2p21.
Variant type: single nucleotide variant.
Coding change: c.1612G>C on transcript NM_020458.4 (MANE Select); coding-DNA position 1612, G replaced by C.
Protein change: p.Val538Leu; replaces valine 538 with leucine.
Molecular consequence: missense variant.
Genome position (GRCh38, 1-based): chr2:47,024,330, G>C. VCF-style: chr2-47024330-G-C. GRCh37 (hg19) VCF-style: chr2-47251469-G-C.
Other names: p.Val538Leu; c.1612G>C, p.Val538Leu (NM_001288951.2); c.1510G>C, p.Val504Leu (NM_001288953.2); c.550G>C, p.Val184Leu (NM_001288955.2); short protein forms V184L, V504L, V538L.
Identifiers: ClinVar variation 1164873 (VCV001164873.17), dbSNP rs2304290, ClinGen allele CA1647764.